The following is an entry in ClinVar:

NM_139076.3(ABRAXAS1):c.558dup (p.Met187fs)

Gene: ABRAXAS1 (abraxas 1, BRCA1 A complex subunit; minus strand). Cytogenetic location: 4q21.23.
Variant type: Duplication.
Coding change: c.558dup on transcript NM_139076.3 (MANE Select); coding-DNA position 558, one base duplicated (T; older notation c.558dupT).
Protein change: p.Met187fs; shifts the reading frame from methionine 187.
Molecular consequence: frameshift variant.
Genome position (GRCh38, 1-based): chr4:83,469,070, A duplicated on the plus strand (T on the coding strand, the reverse complement: ABRAXAS1 is on the minus strand). VCF-style (leftmost placement, unchanged base first): chr4-83469069-T-TA. GRCh37 (hg19) VCF-style: chr4-84390222-T-TA.
Other names: c.231dup, p.Met78fs (NM_001345962.2); short protein forms M187fs, M78fs.
Identifiers: ClinVar variation 967220 (VCV000967220.7), dbSNP rs1722486804, ClinGen allele CA1139658555.

ClinVar aggregate classification (germline): Uncertain significance (1 of 4 stars; one submission).

Allele frequency attached by ClinVar (database versions not stated): gnomAD exomes below 0.00001.

Submission:

Labcorp Genetics (formerly Invitae), Labcorp
Classification: Uncertain significance. Last evaluated: 2023-08-10. Review status: criteria provided, single submitter. Criteria: Invitae Variant Classification Sherloc (09022015). Collection method: clinical testing. Allele origin: germline.
Comment: In summary, the available evidence is currently insufficient to determine the role of this variant in disease. Therefore, it has been classified as a Variant of Uncertain Significance. ClinVar contains an entry for this variant (Variation ID: 967220). This variant has not been reported in the literature in individuals affected with ABRAXAS1-related conditions. This variant is not present in population databases (gnomAD no frequency). This sequence change creates a premature translational stop signal (p.Met187Tyrfs*6) in the ABRAXAS1 gene. It is expected to result in an absent or disrupted protein product. However, the current clinical and genetic evidence is not sufficient to establish whether loss-of-function variants in ABRAXAS1 cause disease.